The following is an entry in ClinVar:

ClinVar aggregate classification (germline): Pathogenic/Likely pathogenic. Review status: criteria provided, multiple submitters, no conflicts (2 of 4 stars). 2 submissions from 2 submitters: Pathogenic (1); Likely pathogenic (1). Last evaluated 2024-03-26.

Conditions:
Short-rib thoracic dysplasia 19 with or without polydactyly. Identifiers: MedGen C4693524, MONDO:0033485, OMIM 617895.

Allele frequency attached by ClinVar (database versions not stated): gnomAD exomes below 0.00001.
gnomAD v4.1: 2 of 1,598,144 alleles (0.00013%); highest among the groups gnomAD compares: Middle Eastern, 0.033%; no homozygotes.

Submissions (2):

Genomic Medicine Center of Excellence, King Faisal Specialist Hospital and Research Centre
Classification: Pathogenic for Short-rib thoracic dysplasia 19 with or without polydactyly. Last evaluated: 2024-03-26. Review status: criteria provided, single submitter. Criteria: ACMG Guidelines, 2015. Collection method: clinical testing. Allele origin: germline.

Baylor Genetics
Classification: Likely pathogenic for Short-rib thoracic dysplasia 19 with or without polydactyly. Last evaluated: 2020-01-27. Review status: criteria provided, single submitter. Criteria: ACMG Guidelines, 2015. Collection method: clinical testing. Allele origin: unknown. Affected: yes.
Comment: This variant was determined to be likely pathogenic according to ACMG Guidelines, 2015 [PMID:25741868].

NM_014055.4(IFT81):c.1717-2A>G

Gene: IFT81 (intraflagellar transport 81; plus strand). Cytogenetic location: 12q24.11.
Variant type: single nucleotide variant.
Coding change: c.1717-2A>G on transcript NM_014055.4 (MANE Select); the canonical splice acceptor site of the intron before coding-DNA position 1717, A replaced by G.
Molecular consequence: splice acceptor variant.
Genome position (GRCh38, 1-based): chr12:110,205,593, A>G. VCF-style: chr12-110205593-A-G. GRCh37 (hg19) VCF-style: chr12-110643398-A-G.
Other names: c.787-2A>G (NM_001347948.2, NM_001347947.2); c.1717-2A>G (NM_001143779.2).
Identifiers: ClinVar variation 1027824 (VCV001027824.2), dbSNP rs1868517084, ClinGen allele CA386909287.